The following is an entry in ClinVar:

NM_020247.5(COQ8A):c.1060G>A (p.Glu354Lys)

Gene: COQ8A (coenzyme Q8A; plus strand). Cytogenetic location: 1q42.13.
Variant type: single nucleotide variant.
Coding change: c.1060G>A on transcript NM_020247.5 (MANE Select); coding-DNA position 1060, G replaced by A.
Protein change: p.Glu354Lys; replaces glutamic acid 354 with lysine.
Molecular consequence: missense variant.
Genome position (GRCh38, 1-based): chr1:226,983,014, G>A. VCF-style: chr1-226983014-G-A. GRCh37 (hg19) VCF-style: chr1-227170715-G-A.
Other names: short protein forms E354K.
Identifiers: ClinVar variation 296016 (VCV000296016.13), dbSNP rs886046066, ClinGen allele CA10609260.

ClinVar aggregate classification (germline): Uncertain significance. Review status: criteria provided, multiple submitters, no conflicts (2 of 4 stars). 4 submissions from 4 submitters: Uncertain significance (4). Last evaluated 2026-01-06.

Conditions:
Autosomal recessive ataxia due to ubiquinone deficiency. Also called: SPINOCEREBELLAR ATAXIA, AUTOSOMAL RECESSIVE 9; Coenzyme Q10 deficiency, primary, 4. Identifiers: Orphanet 139485, MedGen C2677589, MONDO:0012784, OMIM 612016.
COQ8A-related disorder. Also called: COQ8A-related condition.

Allele frequency attached by ClinVar (database versions not stated): gnomAD exomes below 0.00001 and 0.00001; gnomAD 0.00002; TOPMed 0.00002.

Submissions (4):

PreventionGenetics, part of Exact Sciences
Classification: Uncertain significance for COQ8A-related condition. Last evaluated: 2026-01-06. Review status: criteria provided, single submitter. Criteria: ACMG Guidelines, 2015. Collection method: clinical testing. Allele origin: germline.
Comment: The COQ8A c.1060G>A variant is predicted to result in the amino acid substitution p.Glu354Lys. To our knowledge, this variant has not been reported in the literature. This variant is reported in 0.0011% of alleles in individuals of European (non-Finnish) descent in gnomAD. At this time, the clinical significance of this variant is uncertain due to the absence of conclusive functional and genetic evidence.

Victorian Clinical Genetics Services, Murdoch Childrens Research Institute
Classification: Uncertain significance for Autosomal recessive ataxia due to ubiquinone deficiency. Last evaluated: 2025-04-07. Review status: criteria provided, single submitter. Criteria: ACMG Guidelines, 2015. Collection method: clinical testing. Allele origin: germline. Affected: yes.
Comment: This variant is classified as VUS-3B. Evidence in support of pathogenic classification: Variant is present in gnomAD <0.01 for a recessive condition (v4: 10 heterozygotes, 0 homozygotes). Additional information: Variant is predicted to result in a missense amino acid change from glutamic acid to lysine; This variant is homozygous; This gene is associated with autosomal recessive disease; Previous evidence of pathogenicity for this variant is inconclusive. This variant has been reported as a VUS in clinical testing (ClinVar); No published segregation evidence has been identified for this variant; No published functional evidence has been identified for this variant; No comparable missense variants have previous evidence for pathogenicity; Variant is located in the annotated ABC1 atypical kinase-like domain (DECIPHER); Missense variant with inconclusive in silico prediction and uninformative conservation; Loss of function is a known mechanism of disease in this gene and is associated with coenzyme Q10 deficiency, primary, 4 (MIM#612016); Inheritance information for this variant is not currently available in this individual.

Labcorp Genetics (formerly Invitae), Labcorp
Classification: Uncertain significance. Last evaluated: 2021-12-02. Review status: criteria provided, single submitter. Criteria: Invitae Variant Classification Sherloc (09022015). Collection method: clinical testing. Allele origin: germline.
Comment: The frequency data for this variant in the population databases is considered unreliable, as metrics indicate poor data quality at this position in the gnomAD database. This sequence change replaces glutamic acid, which is acidic and polar, with lysine, which is basic and polar, at codon 354 of the COQ8A protein (p.Glu354Lys). This variant has not been reported in the literature in individuals affected with COQ8A-related conditions. ClinVar contains an entry for this variant (Variation ID: 296016). Advanced modeling of protein sequence and biophysical properties (such as structural, functional, and spatial information, amino acid conservation, physicochemical variation, residue mobility, and thermodynamic stability) performed at Invitae indicates that this missense variant is not expected to disrupt COQ8A protein function. In summary, the available evidence is currently insufficient to determine the role of this variant in disease. Therefore, it has been classified as a Variant of Uncertain Significance.

Illumina Laboratory Services, Illumina
Classification: Uncertain significance for Autosomal recessive ataxia due to ubiquinone deficiency. Last evaluated: 2018-01-12. Review status: criteria provided, single submitter. Criteria: ICSL Variant Classification Criteria 13 December 2019. Collection method: clinical testing. Allele origin: germline.